The following is an entry in ClinVar:

ClinVar aggregate classification (germline): Uncertain significance (1 of 4 stars; one submission).

Conditions:
Hereditary cancer-predisposing syndrome. Also called: Neoplastic Syndromes, Hereditary; Hereditary Cancer Syndrome; Tumor predisposition; Hereditary neoplastic syndrome. Identifiers: Orphanet 140162, MedGen C0027672, MeSH D009386, MONDO:0015356.

gnomAD v4.1: 1 of 1,612,670 alleles (0.000062%); highest among the groups gnomAD compares: Non-Finnish European, 0.000085%; no homozygotes.

Submission:

Ambry Genetics
Classification: Uncertain significance for Hereditary cancer-predisposing syndrome. Last evaluated: 2025-03-05. Review status: criteria provided, single submitter. Criteria: Ambry Variant Classification Scheme 2023. Collection method: clinical testing. Allele origin: germline.
Comment: The p.D57Y variant (also known as c.169G>T), located in coding exon 1 of the PTCH1 gene, results from a G to T substitution at nucleotide position 169. The aspartic acid at codon 57 is replaced by tyrosine, an amino acid with highly dissimilar properties. This amino acid position is conserved. In addition, the in silico prediction for this alteration is inconclusive. Based on the available evidence, the clinical significance of this variant remains unclear.

NM_000264.5(PTCH1):c.169G>T (p.Asp57Tyr)

Gene: PTCH1 (patched 1; minus strand). Cytogenetic location: 9q22.32.
Variant type: single nucleotide variant.
Coding change: c.169G>T on transcript NM_000264.5 (MANE Select); coding-DNA position 169, G replaced by T.
Protein change: p.Asp57Tyr; replaces aspartic acid 57 with tyrosine.
Molecular consequence: missense variant. On other transcripts: non-coding transcript variant (1), intron variant (3).
Genome position (GRCh38, 1-based): chr9:95,508,193, C>A on the plus strand (G>T on the coding strand, the complement: PTCH1 is on the minus strand). VCF-style: chr9-95508193-C-A. GRCh37 (hg19) VCF-style: chr9-98270475-C-A.
Other names: c.169G>T, p.Asp57Tyr (NM_001354918.2); c.199-1594G>T (NM_001083603.3); c.4-1594G>T (NM_001083602.3, NM_001354919.2); short protein forms D57Y.
Identifiers: ClinVar variation 3784679 (VCV003784679.1).